The following is an entry in ClinVar:

NM_032043.3(BRIP1):c.843T>C (p.His281=)

Gene: BRIP1 (BRCA1 interacting DNA helicase 1; minus strand). Cytogenetic location: 17q23.2.
Variant type: single nucleotide variant.
Coding change: c.843T>C on transcript NM_032043.3 (MANE Select); coding-DNA position 843, T replaced by C.
Protein change: p.His281=; no amino-acid change (histidine 281 retained).
Molecular consequence: synonymous variant.
Genome position (GRCh38, 1-based): chr17:61,808,542, A>G on the plus strand (T>C on the coding strand, the complement: BRIP1 is on the minus strand). VCF-style: chr17-61808542-A-G. GRCh37 (hg19) VCF-style: chr17-59885903-A-G.
Identifiers: ClinVar variation 530379 (VCV000530379.13), dbSNP rs1555609187, ClinGen allele CA501335406.
Genomic context (GRCh38, chr17:61,808,542, plus strand): 5'-CAATTCCATGCACTTCTCATTTCTGTTGAAGTTACCGACTACCTCAGGATGGACACAAGT[A>G]TGATCCCTGCTGGAAAGAATAGTCATTGGAACCCCTGAATATGCCGTCCTCCGGAGCTCT-3'
Protein context (NP_114432.2, residues 271-291): VPMTILSSRD[His281=]TCVHPEVVGN

ClinVar aggregate classification (germline): Benign/Likely benign. Review status: criteria provided, multiple submitters, no conflicts (2 of 4 stars). 3 submissions from 3 submitters: Benign (1); Likely benign (2). Last evaluated 2025-08-11.

Conditions:
Fanconi anemia complementation group J. Also called: BRIP1-Related Fanconi Anemia. Identifiers: Orphanet 84, MedGen C1836860, MONDO:0012187, OMIM 609054.
Familial cancer of breast. Also called: BREAST CANCER, FAMILIAL; hereditary breast carcinoma; Hereditary breast cancer. Identifiers: Orphanet 227535, MedGen C0346153, MONDO:0016419, OMIM 114480. Disease mechanism: loss of function.
Hereditary cancer-predisposing syndrome. Also called: Neoplastic Syndromes, Hereditary; Hereditary neoplastic syndrome; Tumor predisposition; Hereditary Cancer Syndrome. Identifiers: Orphanet 140162, MedGen C0027672, MeSH D009386, MONDO:0015356.

Allele frequency attached by ClinVar (database versions not stated): TOPMed below 0.00001.

Submissions (3):

Labcorp Genetics (formerly Invitae), Labcorp
Classification: Likely benign for Familial cancer of breast; Fanconi anemia complementation group J. Last evaluated: 2025-08-11. Review status: criteria provided, single submitter. Criteria: Invitae Variant Classification Sherloc (09022015). Collection method: clinical testing. Allele origin: germline.

Myriad Genetics, Inc.
Classification: Benign for Familial cancer of breast. Last evaluated: 2024-08-22. Review status: criteria provided, single submitter. Criteria: Myriad Autosomal Dominant, Autosomal Recessive and X-Linked Classification Criteria (2023). Collection method: clinical testing. Allele origin: unknown.
Comment: This variant is considered benign. This variant is a silent/synonymous amino acid change and it is not expected to impact splicing.

Ambry Genetics
Classification: Likely benign for Hereditary cancer-predisposing syndrome. Last evaluated: 2019-06-09. Review status: criteria provided, single submitter. Criteria: Ambry Variant Classification Scheme 2023. Collection method: clinical testing. Allele origin: germline.